The following is an entry in ClinVar:

ClinVar aggregate classification (germline): Likely benign (1 of 4 stars; one submission).

Conditions:
Malignant hyperthermia, susceptibility to, 1 (MHS1). Also called: Anesthesia related hyperthermia; Malignant hyperpyrexia; Fulminating hyperpyrexia; Pharmacogenic myopathy; RYR1-Related Malignant Hyperthermia Susceptibility; Malignant hyperthermia suceptibility 1. Identifiers: Orphanet 423, MedGen C2930980, MONDO:0007783, OMIM 145600.

Allele frequency attached by ClinVar (database versions not stated): TOPMed 0.00001.
gnomAD v4.1: 1 of 1,614,144 alleles (0.000062%); no homozygotes.

Submission:

All of Us Research Program, National Institutes of Health
Classification: Likely benign for Malignant hyperthermia, susceptibility to, 1. Last evaluated: 2023-11-02. Review status: criteria provided, single submitter. Criteria: ACMG Guidelines, 2015. Collection method: clinical testing. Allele origin: germline. Inheritance: Autosomal dominant inheritance. Observed: 1 variant allele, 1 heterozygote.
Comment: This study involves interpretation of variants in research participants for the purpose of population health screening. Participant phenotype was not available at the time of variant classification. Additional details can be found in publication PMID: 35346344, PMCID: PMC8962531

NM_000540.3(RYR1):c.14388T>C (p.Tyr4796=)

Gene: RYR1 (ryanodine receptor 1; plus strand). Cytogenetic location: 19q13.2.
Variant type: single nucleotide variant.
Coding change: c.14388T>C on transcript NM_000540.3 (MANE Select); coding-DNA position 14388, T replaced by C.
Protein change: p.Tyr4796=; no amino-acid change (tyrosine 4796 retained).
Molecular consequence: synonymous variant.
Genome position (GRCh38, 1-based): chr19:38,580,005, T>C. VCF-style: chr19-38580005-T-C. GRCh37 (hg19) VCF-style: chr19-39070645-T-C.
Other names: c.14373T>C, p.Tyr4791= (NM_001042723.2).
Identifiers: ClinVar variation 3074267 (VCV003074267.1), dbSNP rs1282197228, ClinGen allele CA507246071.